The following is an entry in ClinVar:

NM_033453.4(ITPA):c.561G>A (p.Glu187=)

Gene: ITPA (inosine triphosphatase; plus strand). Cytogenetic location: 20p13.
Variant type: single nucleotide variant.
Coding change: c.561G>A on transcript NM_033453.4 (MANE Select); coding-DNA position 561, G replaced by A.
Protein change: p.Glu187=; no amino-acid change (glutamic acid 187 retained).
Molecular consequence: synonymous variant. On other transcripts: missense variant (4), non-coding transcript variant (2), intron variant (1).
Genome position (GRCh38, 1-based): chr20:3,223,438, G>A. VCF-style: chr20-3223438-G-A. GRCh37 (hg19) VCF-style: chr20-3204084-G-A.
Other names: p.Glu187=; c.224G>A, p.Ser75Asn (NM_001324236.2, NM_001324237.2, NM_001324238.2 and 1 more transcripts); c.510G>A, p.Glu170= (NM_181493.4); c.412-3245G>A (NM_001324240.2); c.438G>A, p.Glu146= (NM_001267623.2); short protein forms S75N.
Identifiers: ClinVar variation 1170108 (VCV001170108.18), dbSNP rs9101, ClinGen allele CA9741369.

ClinVar aggregate classification (germline): Benign. Review status: criteria provided, multiple submitters, no conflicts (2 of 4 stars). 6 submissions from 6 submitters: Benign (6). Last evaluated 2026-02-04.

Conditions:
Inosine triphosphatase deficiency. Also called: INOSINE TRIPHOSPHATE PYROPHOSPHOHYDROLASE DEFICIENCY. Identifiers: MedGen C0342800, MONDO:0013461, OMIM 613850.
Developmental and epileptic encephalopathy, 35 (DEE35). Also called: Epileptic encephalopathy, early infantile, 35. Identifiers: Orphanet 457375, MedGen C4225256, MONDO:0014719, OMIM 616647.

Allele frequency attached by ClinVar (database versions not stated): ESP Exome Variant Server 0.22705; TOPMed 0.23810; gnomAD exomes 0.30815 and 0.31247; ExAC 0.32567; 1000 Genomes Project 30x 0.32745; 1000 Genomes Project 0.34046.
gnomAD v4.1: 487,796 of 1,612,194 alleles (30%); highest among the groups gnomAD compares: South Asian, 52%; 79,423 homozygotes.

Submissions (6):

Labcorp Genetics (formerly Invitae), Labcorp
Classification: Benign for Inosine triphosphatase deficiency. Last evaluated: 2026-02-04. Review status: criteria provided, single submitter. Criteria: Invitae Variant Classification Sherloc (09022015). Collection method: clinical testing. Allele origin: germline.

Unidad de Genómica Garrahan, Hospital de Pediatría Garrahan
Classification: Benign. Last evaluated: 2024-07-15. Review status: criteria provided, single submitter. Criteria: ACMG Guidelines, 2015. Collection method: clinical testing. Allele origin: germline. Affected: no. Observed: 34 variant alleles.
Comment: This variant is classified as Benign based on local population frequency. This variant was detected in 37% of patients studied in a panel designed for Epileptic and Developmental Encephalopathy and Progressive Myoclonus Epilepsy. Number of patients: 34. Only high quality variants are reported.

Mayo Clinic Laboratories, Mayo Clinic
Classification: Benign. Last evaluated: 2021-11-29. Review status: criteria provided, single submitter. Criteria: ACMG Guidelines, 2015. Collection method: clinical testing. Allele origin: germline. Observed: 129 variant alleles.

Genome-Nilou Lab
Classification: Benign for Developmental and epileptic encephalopathy, 35. Last evaluated: 2021-08-19. Review status: criteria provided, single submitter. Criteria: ACMG Guidelines, 2015. Collection method: clinical testing. Allele origin: germline. Affected: no.

GeneDx
Classification: Benign. Last evaluated: 2020-01-30. Review status: criteria provided, single submitter. Criteria: GeneDx Variant Classification Process June 2021. Collection method: clinical testing. Allele origin: germline. Affected: yes.

Breakthrough Genomics
Classification: Benign. Review status: criteria provided, single submitter. Criteria: ACMG Guidelines, 2015. Collection method: not provided. Allele origin: germline. Inheritance: Autosomal recessive inheritance. Affected: yes.